The following is an entry in ClinVar:

NM_001206744.2(TPO):c.650del (p.Asn217fs)

Gene: TPO (thyroid peroxidase; plus strand). Cytogenetic location: 2p25.3.
Variant type: Deletion.
Coding change: c.650del on transcript NM_001206744.2 (MANE Select); coding-DNA position 650, one base deleted (A; older notation c.650delA).
Protein change: p.Asn217fs; shifts the reading frame from asparagine 217.
Molecular consequence: frameshift variant.
Genome position (GRCh38, 1-based): chr2:1,456,113, A deleted; the last of 3 consecutive A bases (chr2:1,456,111-1,456,113); deleting any one gives the same sequence. VCF-style (leftmost placement, unchanged base first): chr2-1456110-CA-C. GRCh37 (hg19) VCF-style: chr2-1459882-CA-C.
Other names: c.650del, p.Asn217fs (NM_000547.6, NM_001206745.2, NM_175719.4 and 2 more transcripts); short protein forms N217fs.
Identifiers: ClinVar variation 3641172 (VCV003641172.2).

ClinVar aggregate classification (germline): Pathogenic (1 of 4 stars; one submission).

Submission:

Labcorp Genetics (formerly Invitae), Labcorp
Classification: Pathogenic. Last evaluated: 2024-02-16. Review status: criteria provided, single submitter. Criteria: Invitae Variant Classification Sherloc (09022015). Collection method: clinical testing. Allele origin: germline.
Comment: This sequence change creates a premature translational stop signal (p.Asn217Metfs*14) in the TPO gene. It is expected to result in an absent or disrupted protein product. Loss-of-function variants in TPO are known to be pathogenic (PMID: 11061528, 23236987, 25564141). This variant is not present in population databases (gnomAD no frequency). This variant has not been reported in the literature in individuals affected with TPO-related conditions. For these reasons, this variant has been classified as Pathogenic.

Literature cited by the submitters: PubMed 11061528; PubMed 23236987; PubMed 25564141.